The following is an entry in ClinVar:

NM_005431.2(XRCC2):c.491A>G (p.Glu164Gly)

Gene: XRCC2 (X-ray repair cross complementing 2; minus strand). Cytogenetic location: 7q36.1.
Variant type: single nucleotide variant.
Coding change: c.491A>G on transcript NM_005431.2 (MANE Select); coding-DNA position 491, A replaced by G.
Protein change: p.Glu164Gly; replaces glutamic acid 164 with glycine.
Molecular consequence: missense variant.
Genome position (GRCh38, 1-based): chr7:152,648,994, T>C on the plus strand (A>G on the coding strand, the complement: XRCC2 is on the minus strand). VCF-style: chr7-152648994-T-C. GRCh37 (hg19) VCF-style: chr7-152346079-T-C.
Other names: short protein forms E164G.
Identifiers: ClinVar variation 5032086 (VCV005032086.1).
Genomic context (GRCh38, chr7:152,648,994, plus strand): 5'-ACAAGCTTCTCTAAGCACTGAGAACATTTCCTCAGAGTAGACTCCTGTAAGTTCACACTT[T>C]CTCCTCCATTGACGCGGTCTATCCAGTAAAAAGCTGACAGGCTATCCAAAATCAAAAGGC-3'
Protein context (NP_005422.1, residues 154-174): FYWIDRVNGG[Glu164Gly]SVNLQESTLR

ClinVar aggregate classification (germline): Uncertain significance (1 of 4 stars; one submission).

Conditions:
Hereditary cancer-predisposing syndrome. Also called: Neoplastic Syndromes, Hereditary; Tumor predisposition; Hereditary neoplastic syndrome; Hereditary Cancer Syndrome. Identifiers: Orphanet 140162, MedGen C0027672, MeSH D009386, MONDO:0015356.

Submission:

Ambry Genetics
Classification: Uncertain significance for Hereditary cancer-predisposing syndrome. Last evaluated: 2026-07-05. Review status: criteria provided, single submitter. Criteria: Ambry Variant Classification Scheme 2023. Collection method: clinical testing. Allele origin: germline.
Comment: The p.E164G variant (also known as c.491A>G), located in coding exon 3 of the XRCC2 gene, results from an A to G substitution at nucleotide position 491. The glutamic acid at codon 164 is replaced by glycine, an amino acid with similar properties. This amino acid position is conserved. In addition, the in silico prediction for this alteration is inconclusive. Based on the available evidence, the clinical significance of this variant remains unclear.